The following is an entry in ClinVar:

NM_000540.3(RYR1):c.2522C>G (p.Pro841Arg)

Gene: RYR1 (ryanodine receptor 1; plus strand). Cytogenetic location: 19q13.2.
Variant type: single nucleotide variant.
Coding change: c.2522C>G on transcript NM_000540.3 (MANE Select); coding-DNA position 2522, C replaced by G.
Protein change: p.Pro841Arg; replaces proline 841 with arginine.
Molecular consequence: missense variant.
Genome position (GRCh38, 1-based): chr19:38,460,536, C>G. VCF-style: chr19-38460536-C-G. GRCh37 (hg19) VCF-style: chr19-38951176-C-G.
Other names: c.2522C>G, p.Pro841Arg (NM_001042723.2); short protein forms P841R.
Identifiers: ClinVar variation 3074969 (VCV003074969.1), dbSNP rs368051427, ClinGen allele CA405629984.
Genomic context (GRCh38, chr19:38,460,536, plus strand): 5'-ATCTTGAACCCATCAAGGAGTATCGACGGGAGGGGCCCCGGGGGCCTCACCTGGTGGGCC[C>G]CAGTCGCTGCCTCTCACACACCGACTTCGTGCCCTGCCCTGTGGACACTGTCCAGGTACT-3'
Protein context (NP_000531.2, residues 831-851): EGPRGPHLVG[Pro841Arg]SRCLSHTDFV

ClinVar aggregate classification (germline): Uncertain significance (1 of 4 stars; one submission).

Conditions:
Malignant hyperthermia, susceptibility to, 1 (MHS1). Also called: Anesthesia related hyperthermia; Malignant hyperpyrexia; Fulminating hyperpyrexia; Pharmacogenic myopathy; RYR1-Related Malignant Hyperthermia Susceptibility; Malignant hyperthermia suceptibility 1. Identifiers: Orphanet 423, MedGen C2930980, MONDO:0007783, OMIM 145600.

Submission:

All of Us Research Program, National Institutes of Health
Classification: Uncertain significance for Malignant hyperthermia, susceptibility to, 1. Last evaluated: 2024-01-11. Review status: criteria provided, single submitter. Criteria: ACMG Guidelines, 2015. Collection method: clinical testing. Allele origin: germline. Inheritance: Autosomal dominant inheritance. Observed: 1 variant allele, 1 heterozygote.
Comment: This study involves interpretation of variants in research participants for the purpose of population health screening. Participant phenotype was not available at the time of variant classification. Additional details can be found in publication PMID: 35346344, PMCID: PMC8962531